The following is an entry in ClinVar:

NM_000368.5(TSC1):c.873T>A (p.Asp291Glu)

Gene: TSC1 (TSC complex subunit 1; minus strand). Cytogenetic location: 9q34.13.
Variant type: single nucleotide variant.
Coding change: c.873T>A on transcript NM_000368.5 (MANE Select); coding-DNA position 873, T replaced by A.
Protein change: p.Asp291Glu; replaces aspartic acid 291 with glutamic acid.
Molecular consequence: missense variant. On other transcripts: 5 prime UTR variant (5), non-coding transcript variant (5).
Genome position (GRCh38, 1-based): chr9:132,912,322, A>T on the plus strand (T>A on the coding strand, the complement: TSC1 is on the minus strand). VCF-style: chr9-132912322-A-T. GRCh37 (hg19) VCF-style: chr9-135787709-A-T.
Other names: c.510T>A, p.Asp170Glu (NM_001362177.2, NM_001406624.1, NM_001406625.1 and 10 more transcripts); c.873T>A, p.Asp291Glu (NM_001406592.1, NM_001406593.1, NM_001406594.1 and 16 more transcripts); c.-79T>A (NM_001406626.1, NM_001406627.1, NM_001406628.1); c.-221T>A (NM_001406629.1, NM_001406630.1); c.720T>A, p.Asp240Glu (NM_001406610.1, NM_001406611.1, NM_001406612.1 and 2 more transcripts); short protein forms D291E, D240E, D170E.
Identifiers: ClinVar variation 3720837 (VCV003720837.3).

ClinVar aggregate classification (germline): Uncertain significance. Review status: criteria provided, multiple submitters, no conflicts (2 of 4 stars). 2 submissions from 2 submitters: Uncertain significance (2). Last evaluated 2026-07-27.

Conditions:
Tuberous sclerosis 1 (TSC1). Identifiers: Orphanet 805, MedGen C1854465, MONDO:0008612, OMIM 191100.
Hereditary cancer-predisposing syndrome. Also called: Tumor predisposition; Hereditary neoplastic syndrome; Hereditary Cancer Syndrome; Neoplastic Syndromes, Hereditary. Identifiers: Orphanet 140162, MedGen C0027672, MeSH D009386, MONDO:0015356.

Submissions (2):

Ambry Genetics
Classification: Uncertain significance for Hereditary cancer-predisposing syndrome. Last evaluated: 2026-07-27. Review status: criteria provided, single submitter. Criteria: Ambry Variant Classification Scheme 2023. Collection method: clinical testing. Allele origin: germline.
Comment: The p.D291E variant (also known as c.873T>A), located in coding exon 7 of the TSC1 gene, results from a T to A substitution at nucleotide position 873. The aspartic acid at codon 291 is replaced by glutamic acid, an amino acid with highly similar properties. This amino acid position is conserved. In addition, the in silico prediction for this alteration is inconclusive. Based on the available evidence, the clinical significance of this variant remains unclear.

Labcorp Genetics (formerly Invitae), Labcorp
Classification: Uncertain significance for Tuberous sclerosis 1. Last evaluated: 2024-12-12. Review status: criteria provided, single submitter. Criteria: Invitae Variant Classification Sherloc (09022015). Collection method: clinical testing. Allele origin: germline.
Comment: This sequence change replaces aspartic acid, which is acidic and polar, with glutamic acid, which is acidic and polar, at codon 291 of the TSC1 protein (p.Asp291Glu). This variant is not present in population databases (gnomAD no frequency). This variant has not been reported in the literature in individuals affected with TSC1-related conditions. Invitae Evidence Modeling of protein sequence and biophysical properties (such as structural, functional, and spatial information, amino acid conservation, physicochemical variation, residue mobility, and thermodynamic stability) indicates that this missense variant is not expected to disrupt TSC1 protein function with a negative predictive value of 95%. In summary, the available evidence is currently insufficient to determine the role of this variant in disease. Therefore, it has been classified as a Variant of Uncertain Significance.